The following is an entry in ClinVar:

ClinVar aggregate classification (germline): Pathogenic (1 of 4 stars; one submission).

Conditions:
Nemaline myopathy 2 (NEM2). Also called: Nemaline myopathy 2, autosomal recessive. Identifiers: MedGen C1850569, MONDO:0009725, OMIM 256030.

Submission:

Labcorp Genetics (formerly Invitae), Labcorp
Classification: Pathogenic for Nemaline myopathy 2. Last evaluated: 2019-01-20. Review status: criteria provided, single submitter. Criteria: Invitae Variant Classification Sherloc (09022015). Collection method: clinical testing. Allele origin: germline.
Comment: For these reasons, this variant has been classified as Pathogenic. Loss-of-function variants in NEB are known to be pathogenic (PMID: 25205138). This variant has not been reported in the literature in individuals with NEB-related conditions. This variant is not present in population databases (ExAC no frequency). This sequence change creates a premature translational stop signal (p.Trp2181*) in the NEB gene. It is expected to result in an absent or disrupted protein product.

Literature cited by the submitters: PubMed 25205138.

NM_001164508.2(NEB):c.6542G>A (p.Trp2181Ter)

Gene: NEB (nebulin; minus strand). Cytogenetic location: 2q23.3.
Variant type: single nucleotide variant.
Coding change: c.6542G>A on transcript NM_001164508.2 (MANE Select); coding-DNA position 6542, G replaced by A.
Protein change: p.Trp2181Ter; replaces tryptophan 2181 with a stop codon.
Molecular consequence: nonsense.
Genome position (GRCh38, 1-based): chr2:151,655,977, C>T on the plus strand (G>A on the coding strand, the complement: NEB is on the minus strand). VCF-style: chr2-151655977-C-T. GRCh37 (hg19) VCF-style: chr2-152512491-C-T.
Other names: c.6542G>A, p.Trp2181Ter (NM_001164507.2, NM_001271208.2, NM_004543.5); short protein forms W2181*.
Identifiers: ClinVar variation 856160 (VCV000856160.7), dbSNP rs2099082250, ClinGen allele CA348797712.